The following is an entry in ClinVar:

NM_172364.5(CACNA2D4):c.690G>C (p.Leu230Phe)

Gene: CACNA2D4 (calcium voltage-gated channel auxiliary subunit alpha2delta 4; minus strand). Cytogenetic location: 12p13.33.
Variant type: single nucleotide variant.
Coding change: c.690G>C on transcript NM_172364.5 (MANE Select); coding-DNA position 690, G replaced by C.
Protein change: p.Leu230Phe; replaces leucine 230 with phenylalanine.
Molecular consequence: missense variant.
Genome position (GRCh38, 1-based): chr12:1,907,531, C>G on the plus strand (G>C on the coding strand, the complement: CACNA2D4 is on the minus strand). VCF-style: chr12-1907531-C-G. GRCh37 (hg19) VCF-style: chr12-2016697-C-G.
Other names: short protein forms L230F.
Identifiers: ClinVar variation 1391322 (VCV001391322.9), dbSNP rs770141721, ClinGen allele CA6387438.

ClinVar aggregate classification (germline): Uncertain significance. Review status: criteria provided, multiple submitters, no conflicts (2 of 4 stars). 2 submissions from 2 submitters: Uncertain significance (2). Last evaluated 2022-11-15.

Allele frequency attached by ClinVar (database versions not stated): TOPMed below 0.00001; ExAC 0.00001; gnomAD 0.00001; gnomAD exomes 0.00001.
gnomAD v4.1: 10 of 1,613,298 alleles (0.00062%); highest among the groups gnomAD compares: Middle Eastern, 0.033%; no homozygotes.

Submissions (2):

Blueprint Genetics
Classification: Uncertain significance. Last evaluated: 2022-11-15. Review status: criteria provided, single submitter. Criteria: ACMG Guidelines, 2015. Collection method: clinical testing. Allele origin: germline.

Labcorp Genetics (formerly Invitae), Labcorp
Classification: Uncertain significance. Last evaluated: 2021-02-05. Review status: criteria provided, single submitter. Criteria: Invitae Variant Classification Sherloc (09022015). Collection method: clinical testing. Allele origin: germline.
Comment: In summary, the available evidence is currently insufficient to determine the role of this variant in disease. Therefore, it has been classified as a Variant of Uncertain Significance. This sequence change replaces leucine with phenylalanine at codon 230 of the CACNA2D4 protein (p.Leu230Phe). The leucine residue is highly conserved and there is a small physicochemical difference between leucine and phenylalanine. This variant is present in population databases (rs770141721, ExAC 0.002%). This variant has not been reported in the literature in individuals with CACNA2D4-related conditions. Algorithms developed to predict the effect of missense changes on protein structure and function are either unavailable or do not agree on the potential impact of this missense change (SIFT: "Deleterious"; PolyPhen-2: "Probably Damaging"; Align-GVGD: "Class C15").